The following is an entry in ClinVar:

ClinVar aggregate classification (germline): Uncertain significance (1 of 4 stars; one submission).

Submission:

Labcorp Genetics (formerly Invitae), Labcorp
Classification: Uncertain significance. Last evaluated: 2025-08-11. Review status: criteria provided, single submitter. Criteria: Invitae Variant Classification Sherloc (09022015). Collection method: clinical testing. Allele origin: germline.
Comment: This sequence change creates a premature translational stop signal (p.Leu159Valfs*18) in the KRT83 gene. It is expected to result in an absent or disrupted protein product. However, the current clinical and genetic evidence is not sufficient to establish whether loss-of-function variants in KRT83 cause disease. This variant is present in population databases (no rsID available, gnomAD 0.003%). This variant has not been reported in the literature in individuals affected with KRT83-related conditions. In summary, the available evidence is currently insufficient to determine the role of this variant in disease. Therefore, it has been classified as a Variant of Uncertain Significance.

NM_002282.3(KRT83):c.475_476del (p.Leu159fs)

Gene: KRT83 (keratin 83; minus strand). Cytogenetic location: 12q13.13.
Variant type: Deletion.
Coding change: c.475_476del on transcript NM_002282.3 (MANE Select); coding-DNA positions 475 to 476, 2 bases deleted (CT; older notation c.475_476delCT).
Protein change: p.Leu159fs; shifts the reading frame from leucine 159.
Molecular consequence: frameshift variant.
Genome position (GRCh38, 1-based): chr12:52,319,273-52,319,274, AG deleted on the plus strand (CT on the coding strand, the reverse complement: KRT83 is on the minus strand). VCF-style (leftmost placement, unchanged base first): chr12-52319272-CAG-C. GRCh37 (hg19) VCF-style: chr12-52713056-CAG-C.
Other names: short protein forms L159fs.
Identifiers: ClinVar variation 4771712 (VCV004771712.1).